The following is an entry in ClinVar:

NM_001267550.2(TTN):c.28462+3A>G

Gene: TTN (titin; minus strand). Cytogenetic location: 2q31.2.
Variant type: single nucleotide variant.
Coding change: c.28462+3A>G on transcript NM_001267550.2 (MANE Select); 3 bases into the intron after coding-DNA position 28462, A replaced by G.
Molecular consequence: intron variant.
Genome position (GRCh38, 1-based): chr2:178,710,632, T>C on the plus strand (A>G on the coding strand, the complement: TTN is on the minus strand). VCF-style: chr2-178710632-T-C. GRCh37 (hg19) VCF-style: chr2-179575359-T-C.
Other names: c.28462+3A>G (LRG_391t1); c.13282+27450A>G (NM_003319.4); c.13858+27450A>G (NM_133437.4); c.13657+27450A>G (NM_133432.3); c.24730+3A>G (NM_133378.4); c.27511+3A>G (NM_001256850.1).
Identifiers: ClinVar variation 586876 (VCV000586876.9), dbSNP rs1402065855, ClinGen allele CA761303326.

ClinVar aggregate classification (germline): Uncertain significance. Review status: criteria provided, multiple submitters, no conflicts (2 of 4 stars). 3 submissions from 3 submitters: Uncertain significance (2). 1 of the submissions does not count toward it. Last evaluated 2024-05-23.

Conditions:
TTN-related disorder. Also called: TTN-related condition; TTN-related disease; TTN-related disorders.
Dilated cardiomyopathy 1G (CMD1G). Identifiers: Orphanet 154, MedGen C1858763, MONDO:0011400, OMIM 604145.
Autosomal recessive limb-girdle muscular dystrophy type 2J (LGMDR10). Also called: Limb-girdle muscular dystrophy, type 2J; MUSCULAR DYSTROPHY, LIMB-GIRDLE, AUTOSOMAL RECESSIVE 10. Identifiers: Orphanet 140922, MedGen C1837342, MONDO:0012127, OMIM 608807.

Allele frequency attached by ClinVar (database versions not stated): gnomAD 0.00001; gnomAD exomes 0.00001; TOPMed 0.00001.
gnomAD v4.1: 16 of 1,596,638 alleles (0.001%); highest among the groups gnomAD compares: Non-Finnish European, 0.0014%; no homozygotes.

Submissions (3):

Labcorp Genetics (formerly Invitae), Labcorp
Classification: Uncertain significance for Dilated cardiomyopathy 1G; Autosomal recessive limb-girdle muscular dystrophy type 2J. Last evaluated: 2024-05-23. Review status: criteria provided, single submitter. Criteria: Invitae Variant Classification Sherloc (09022015). Collection method: clinical testing. Allele origin: germline.
Comment: This sequence change falls in intron 98 of the TTN gene. It does not directly change the encoded amino acid sequence of the TTN protein. It affects a nucleotide within the consensus splice site. This variant is not present in population databases (gnomAD no frequency). This variant has not been reported in the literature in individuals affected with TTN-related conditions. ClinVar contains an entry for this variant (Variation ID: 586876). Variants that disrupt the consensus splice site are a relatively common cause of aberrant splicing (PMID: 17576681, 9536098). Algorithms developed to predict the effect of sequence changes on RNA splicing suggest that this variant may disrupt the consensus splice site. This variant is located in the I band of TTN (PMID: 25589632). Non-truncating variants in this region may be clinically relevant, but have not been definitively shown to cause cardiomyopathy or neuromuscular disease (PMID: 27493940, 32778822). In summary, the available evidence is currently insufficient to determine the role of this variant in disease. Therefore, it has been classified as a Variant of Uncertain Significance.

Athena Diagnostics
Classification: Uncertain significance. Last evaluated: 2018-03-29. Review status: criteria provided, single submitter. Criteria: Athena Diagnostics Criteria. Collection method: clinical testing. Allele origin: germline.

PreventionGenetics, part of Exact Sciences
Classification: Likely benign for TTN-related condition. Last evaluated: 2024-09-13. Review status: no assertion criteria provided. Collection method: clinical testing. Allele origin: germline. Not counted in ClinVar's aggregate classification.
Comment: This variant is classified as likely benign based on ACMG/AMP sequence variant interpretation guidelines (Richards et al. 2015 PMID: 25741868, with internal and published modifications).

Literature cited by the submitters: PubMed 17576681 (cited by Labcorp Genetics (formerly Invitae), Labcorp); PubMed 9536098 (cited by Labcorp Genetics (formerly Invitae), Labcorp); PubMed 25589632 (cited by Labcorp Genetics (formerly Invitae), Labcorp); PubMed 27493940 (cited by Labcorp Genetics (formerly Invitae), Labcorp); PubMed 32778822 (cited by Labcorp Genetics (formerly Invitae), Labcorp).